The following is an entry in ClinVar:

ClinVar aggregate classification (germline): Likely pathogenic. Review status: criteria provided, single submitter (1 of 4 stars). 2 submissions from 2 submitters: Likely pathogenic (1). 1 of the submissions does not count toward it. Last evaluated 2023-05-19.

Conditions:
Curry-Hall syndrome (WAD). Also called: WEYERS ACRODENTAL DYSOSTOSIS. Identifiers: Orphanet 952, MedGen C0457013, MONDO:0008673, OMIM 193530.
Ellis-van Creveld syndrome (EVC). Also called: EVC2-Related Ellis-van Creveld Syndrome; EVC-Related Ellis-van Creveld Syndrome; MESOECTODERMAL DYSPLASIA; Chondroectodermal dysplasia. Identifiers: Orphanet 289, MedGen C0013903, MONDO:0009162, OMIM 225500.

Allele frequency attached by ClinVar (database versions not stated): TOPMed below 0.00001.
gnomAD v4.1: 2 of 1,614,110 alleles (0.00012%); highest among the groups gnomAD compares: Non-Finnish European, 0.00017%; no homozygotes.

Submissions (2):

Labcorp Genetics (formerly Invitae), Labcorp
Classification: Likely pathogenic for Curry-Hall syndrome; Ellis-van Creveld syndrome. Last evaluated: 2023-05-19. Review status: criteria provided, single submitter. Criteria: Invitae Variant Classification Sherloc (09022015). Collection method: clinical testing. Allele origin: germline.
Comment: This variant has not been reported in the literature in individuals affected with EVC2-related conditions. This variant is present in population databases (no rsID available, gnomAD 0.0009%). This sequence change affects a donor splice site in intron 13 of the EVC2 gene. It is expected to disrupt RNA splicing. Variants that disrupt the donor or acceptor splice site typically lead to a loss of protein function (PMID: 16199547), and loss-of-function variants in EVC2 are known to be pathogenic (PMID: 17024374, 19810119, 19876929). ClinVar contains an entry for this variant (Variation ID: 554558). Algorithms developed to predict the effect of sequence changes on RNA splicing suggest that this variant may disrupt the consensus splice site. In summary, the currently available evidence indicates that the variant is pathogenic, but additional data are needed to prove that conclusively. Therefore, this variant has been classified as Likely Pathogenic.

Counsyl
Classification: Likely pathogenic for Ellis-van Creveld syndrome. Last evaluated: 2017-10-25. Review status: no assertion criteria provided. Collection method: clinical testing. Allele origin: unknown. Not counted in ClinVar's aggregate classification.

Literature cited by the submitters: PubMed 16199547 (cited by Labcorp Genetics (formerly Invitae), Labcorp); PubMed 17024374 (cited by Labcorp Genetics (formerly Invitae), Labcorp); PubMed 19810119 (cited by Labcorp Genetics (formerly Invitae), Labcorp); PubMed 19876929 (cited by Labcorp Genetics (formerly Invitae), Labcorp).

NM_147127.5(EVC2):c.2046+1G>C

Gene: EVC2 (EvC ciliary complex subunit 2; minus strand). Cytogenetic location: 4p16.2.
Variant type: single nucleotide variant.
Coding change: c.2046+1G>C on transcript NM_147127.5 (MANE Select); the canonical splice donor site of the intron after coding-DNA position 2046, G replaced by C.
Molecular consequence: splice donor variant.
Genome position (GRCh38, 1-based): chr4:5,625,748, C>G on the plus strand (G>C on the coding strand, the complement: EVC2 is on the minus strand). VCF-style: chr4-5625748-C-G. GRCh37 (hg19) VCF-style: chr4-5627475-C-G.
Other names: c.1806+1G>C (NM_001166136.2).
Identifiers: ClinVar variation 554558 (VCV000554558.5), dbSNP rs762947212, ClinGen allele CA356145834.